The following is an entry in ClinVar:

ClinVar aggregate classification (germline): Uncertain significance. Review status: criteria provided, multiple submitters, no conflicts (2 of 4 stars). 2 submissions from 2 submitters: Uncertain significance (2). Last evaluated 2022-10-03.

Allele frequency attached by ClinVar (database versions not stated): gnomAD exomes below 0.00001; ExAC 0.00001.

Submissions (2):

Women's Health and Genetics/Laboratory Corporation of America, LabCorp
Classification: Uncertain significance. Last evaluated: 2022-10-03. Review status: criteria provided, single submitter. Criteria: LabCorp Variant Classification Summary - May 2015. Collection method: clinical testing. Allele origin: germline.
Comment: Variant summary: CDK13 c.2912C>T (p.Ala971Val) results in a non-conservative amino acid change located in the protein kinase domain (IPR000719) of the encoded protein sequence. Four of five in-silico tools predict a damaging effect of the variant on protein function. The variant allele was found at a frequency of 4.5e-06 in 223678 control chromosomes (gnomAD). The available data on variant occurrences in the general population are insufficient to allow any conclusion about variant significance. To our knowledge, no occurrence of c.2912C>T in individuals affected with Congenital Heart Defects, Dysmorphic Facial Features, and Intellectual Developmental Disorder and no experimental evidence demonstrating its impact on protein function have been reported. One clinical diagnostic laboratory has submitted a clinical-significance assessment for this variant to ClinVar after 2014 and classified the variant as uncertain significance. Based on the evidence outlined above, the variant was classified as uncertain significance.

GeneDx
Classification: Uncertain significance. Last evaluated: 2016-11-28. Review status: criteria provided, single submitter. Criteria: GeneDx Variant Classification (06012015). Collection method: clinical testing. Allele origin: germline. Affected: yes.
Comment: The A971V variant in the CDK13 gene has not been reported previously as a pathogenic variant, nor as a benign variant, to our knowledge. The A971V variant was not observed in approximately 6500 individuals of European and African American ancestry in the NHLBI Exome Sequencing Project, indicating it is not a common benign variant in these populations. The A971V variant is a conservative amino acid substitution, which is not likely to impact secondary protein structure as these residues share similar properties. This substitution occurs at a position that is conserved across species. In silico analysis predicts this variant is probably damaging to the protein structure/function. We interpret A971V as a variant of uncertain significance.

NM_003718.5(CDK13):c.2912C>T (p.Ala971Val)

Gene: CDK13 (cyclin dependent kinase 13; plus strand). Cytogenetic location: 7p14.1.
Variant type: single nucleotide variant.
Coding change: c.2912C>T on transcript NM_003718.5 (MANE Select); coding-DNA position 2912, C replaced by T.
Protein change: p.Ala971Val; replaces alanine 971 with valine.
Molecular consequence: missense variant.
Genome position (GRCh38, 1-based): chr7:40,078,734, C>T. VCF-style: chr7-40078734-C-T. GRCh37 (hg19) VCF-style: chr7-40118333-C-T.
Other names: c.2912C>T, p.Ala971Val (NM_031267.4); short protein forms A971V.
Identifiers: ClinVar variation 373425 (VCV000373425.3), dbSNP rs751856305, ClinGen allele CA4228846.